The following is an entry in ClinVar:

ClinVar aggregate classification (germline): Pathogenic/Likely pathogenic. Review status: criteria provided, multiple submitters, no conflicts (2 of 4 stars). 3 submissions from 3 submitters: Pathogenic (1); Likely pathogenic (2). Last evaluated 2020-01-27.

Conditions:
Ehlers-Danlos syndrome, type 4 (EDSVASC). Also called: Ehlers-Danlos syndrome vascular type; Ehlers Danlos syndrome, ecchymotic type; Ehlers Danlos syndrome, arterial type; Ehlers Danlos syndrome, Sack-Barabas type; Ehlers-Danlos Syndrome Type IV. Identifiers: Orphanet 286, MedGen C0268338, MONDO:0017314, OMIM 130050.

Submissions (3):

Labcorp Genetics (formerly Invitae), Labcorp
Classification: Likely pathogenic for Ehlers-Danlos syndrome, type 4. Last evaluated: 2020-01-27. Review status: criteria provided, single submitter. Criteria: Invitae Variant Classification Sherloc (09022015). Collection method: clinical testing. Allele origin: germline.
Comment: This variant is not present in population databases (ExAC no frequency). This sequence change replaces glycine with arginine at codon 1017 of the COL3A1 protein (p.Gly1017Arg). The glycine residue is moderately conserved and there is a moderate physicochemical difference between glycine and arginine. Glycine residues within the Gly-Xaa-Yaa repeats of the triple helix domain are required for the structure and stability of fibrillar collagens (PMID: 7695699, 8218237, 19344236). In COL3A1, variants that affect these glycine residues are significantly enriched in individuals with disease (PMID: 24922459, 25758994) compared to the general population (ExAC). In summary, the currently available evidence indicates that the variant is pathogenic, but additional data are needed to prove that conclusively. Therefore, this variant has been classified as Likely Pathogenic. Algorithms developed to predict the effect of missense changes on protein structure and function are either unavailable or do not agree on the potential impact of this missense change (SIFT: "Deleterious"; PolyPhen-2: "Probably Damaging"; Align-GVGD: "Class C0"). This variant has not been reported in the literature in individuals with COL3A1-related conditions. ClinVar contains an entry for this variant (Variation ID: 444545).

CeGaT Center for Human Genetics Tuebingen
Classification: Likely pathogenic. Last evaluated: 2017-06-01. Review status: criteria provided, single submitter. Criteria: CeGaT Center For Human Genetics Tuebingen Variant Classification Criteria Version 2. Collection method: clinical testing. Allele origin: germline. Affected: yes. Observed: 1 variant allele.

Clinical Genetics Service, Universitary Hospital 12 de Octubre
Classification: Pathogenic for Ehlers-Danlos syndrome, type 4. Review status: criteria provided, single submitter. Criteria: ACMG Guidelines, 2015. Collection method: clinical testing. Allele origin: germline. Affected: yes.

Literature cited by the submitters: PubMed 7695699 (cited by Labcorp Genetics (formerly Invitae), Labcorp); PubMed 8218237 (cited by Labcorp Genetics (formerly Invitae), Labcorp); PubMed 19344236 (cited by Labcorp Genetics (formerly Invitae), Labcorp); PubMed 24922459 (cited by Labcorp Genetics (formerly Invitae), Labcorp); PubMed 25758994 (cited by Labcorp Genetics (formerly Invitae), Labcorp).

NM_000090.4(COL3A1):c.3049G>A (p.Gly1017Arg)

Gene: COL3A1 (collagen type III alpha 1 chain; plus strand). Cytogenetic location: 2q32.2.
Variant type: single nucleotide variant.
Coding change: c.3049G>A on transcript NM_000090.4 (MANE Select); coding-DNA position 3049, G replaced by A.
Protein change: p.Gly1017Arg; replaces glycine 1017 with arginine.
Molecular consequence: missense variant.
Genome position (GRCh38, 1-based): chr2:189,006,215, G>A. VCF-style: chr2-189006215-G-A. GRCh37 (hg19) VCF-style: chr2-189870941-G-A.
Other names: short protein forms G1017R.
Identifiers: ClinVar variation 444545 (VCV000444545.54), dbSNP rs1553509397, ClinGen allele CA349844907.